The following is an entry in ClinVar:

ClinVar aggregate classification (germline): Uncertain significance. Review status: criteria provided, multiple submitters, no conflicts (2 of 4 stars). 2 submissions from 2 submitters: Uncertain significance (2). Last evaluated 2025-09-22.

Conditions:
Adams-Oliver syndrome 5 (AOS5). Identifiers: Orphanet 974, MedGen C4014970, MONDO:0014459, OMIM 616028.

gnomAD v4.1: 5 of 1,582,788 alleles (0.00032%); highest among the groups gnomAD compares: Non-Finnish European, 0.00043%; no homozygotes.

Submissions (2):

Labcorp Genetics (formerly Invitae), Labcorp
Classification: Uncertain significance for Adams-Oliver syndrome 5. Last evaluated: 2025-09-22. Review status: criteria provided, single submitter. Criteria: Invitae Variant Classification Sherloc (09022015). Collection method: clinical testing. Allele origin: germline.
Comment: This sequence change replaces serine, which is neutral and polar, with asparagine, which is neutral and polar, at codon 733 of the NOTCH1 protein (p.Ser733Asn). The frequency data for this variant in the population databases is considered unreliable, as metrics indicate poor data quality at this position in the gnomAD database. This variant has not been reported in the literature in individuals affected with NOTCH1-related conditions. ClinVar contains an entry for this variant (Variation ID: 3343078). Invitae Evidence Modeling of protein sequence and biophysical properties (such as structural, functional, and spatial information, amino acid conservation, physicochemical variation, residue mobility, and thermodynamic stability) indicates that this missense variant is not expected to disrupt NOTCH1 protein function with a negative predictive value of 95%. In summary, the available evidence is currently insufficient to determine the role of this variant in disease. Therefore, it has been classified as a Variant of Uncertain Significance.

GeneDx
Classification: Uncertain significance. Last evaluated: 2024-03-27. Review status: criteria provided, single submitter. Criteria: GeneDx Variant Classification Process June 2021. Collection method: clinical testing. Allele origin: germline. Affected: yes.
Comment: Not observed at significant frequency in large population cohorts (gnomAD); In silico analysis supports that this missense variant does not alter protein structure/function; Has not been previously published as pathogenic or benign to our knowledge

NM_017617.5(NOTCH1):c.2198G>A (p.Ser733Asn)

Gene: NOTCH1 (notch receptor 1; minus strand). Cytogenetic location: 9q34.3.
Variant type: single nucleotide variant.
Coding change: c.2198G>A on transcript NM_017617.5 (MANE Select); coding-DNA position 2198, G replaced by A.
Protein change: p.Ser733Asn; replaces serine 733 with asparagine.
Molecular consequence: missense variant.
Genome position (GRCh38, 1-based): chr9:136,514,519, C>T on the plus strand (G>A on the coding strand, the complement: NOTCH1 is on the minus strand). VCF-style: chr9-136514519-C-T. GRCh37 (hg19) VCF-style: chr9-139408971-C-T.
Other names: short protein forms S733N.
Identifiers: ClinVar variation 3343078 (VCV003343078.2).
Genomic context (GRCh38, chr9:136,514,519, plus strand): 5'-GCTCCCAGGGTTTAGGACTGATGTGTCCCCATGATCGGCCCCGCCGCATACCCGTTGAGG[C>T]TGTCCCGGCAGGCCCCGTGGACGCAGGGGTTGCTGTTGCACTCATTGACCTCAGACAGGC-3'
Protein context (NP_060087.3, residues 723-743): NPCVHGACRD[Ser733Asn]LNGYKCDCDP